The following is an entry in ClinVar:

NM_194277.3(FRMD7):c.1799_1804del (p.Arg600_Phe601del)

Gene: FRMD7 (FERM domain containing 7; minus strand). Cytogenetic location: Xq26.2.
Variant type: Deletion.
Coding change: c.1799_1804del on transcript NM_194277.3 (MANE Select); coding-DNA positions 1799 to 1804, 6 bases deleted (GTTTTC; older notation c.1799_1804delGTTTTC).
Protein change: p.Arg600_Phe601del.
Molecular consequence: inframe deletion.
Genome position (GRCh38, 1-based): chrX:132,078,213-132,078,218, GAAAAC deleted on the plus strand (GTTTTC on the coding strand, the reverse complement: FRMD7 is on the minus strand); deleting any 6 consecutive bases within chrX:132,078,213-132,078,221 gives the same sequence; the c. name uses the placement nearest the transcript's 3' end. VCF-style (leftmost placement, unchanged base first): chrX-132078212-GGAAAAC-G. GRCh37 (hg19) VCF-style: chrX-131212240-GGAAAAC-G.
Other names: c.1754_1759del, p.Arg585_Phe586del (NM_001306193.2).
Identifiers: ClinVar variation 2146884 (VCV002146884.4), dbSNP rs748187461, ClinGen allele CA10518812.

ClinVar aggregate classification (germline): Uncertain significance (1 of 4 stars; one submission).

Submission:

Labcorp Genetics (formerly Invitae), Labcorp
Classification: Uncertain significance. Last evaluated: 2024-04-22. Review status: criteria provided, single submitter. Criteria: Invitae Variant Classification Sherloc (09022015). Collection method: clinical testing. Allele origin: germline.
Comment: This variant, c.1799_1804del, results in the deletion of 2 amino acid(s) of the FRMD7 protein (p.Arg600_Phe601del), but otherwise preserves the integrity of the reading frame. This variant is present in population databases (rs748187461, gnomAD 0.008%), including at least one homozygous and/or hemizygous individual. This variant has not been reported in the literature in individuals affected with FRMD7-related conditions. ClinVar contains an entry for this variant (Variation ID: 2146884). Experimental studies and prediction algorithms are not available or were not evaluated, and the functional significance of this variant is currently unknown. In summary, the available evidence is currently insufficient to determine the role of this variant in disease. Therefore, it has been classified as a Variant of Uncertain Significance.